The following is an entry in ClinVar:

NM_001035.3(RYR2):c.10970G>A (p.Gly3657Asp)

Gene: RYR2 (ryanodine receptor 2; plus strand). Cytogenetic location: 1q43.
Variant type: single nucleotide variant.
Coding change: c.10970G>A on transcript NM_001035.3 (MANE Select); coding-DNA position 10970, G replaced by A.
Protein change: p.Gly3657Asp; replaces glycine 3657 with aspartic acid.
Molecular consequence: missense variant.
Genome position (GRCh38, 1-based): chr1:237,732,080, G>A. VCF-style: chr1-237732080-G-A. GRCh37 (hg19) VCF-style: chr1-237895380-G-A.
Other names: c.10970G>A, p.Gly3657Asp (LRG_402t1); short protein forms G3657D.
Identifiers: ClinVar variation 234433 (VCV000234433.9), dbSNP rs876661020, ClinGen allele CA10577227.
Genomic context (GRCh38, chr1:237,732,080, plus strand): 5'-ATTTTATAAATTTGACTTTTTTGCAGAAACCTGGGGCTGAACCTCCAGAAGAAGATGAAG[G>A]CACTAAGAGAGTTGATCCTCTACATCAGCTGATCCTTCTGTTTAGTCGGACAGCTTTAAC-3'
Protein context (NP_001026.2, residues 3647-3667): PGAEPPEEDE[Gly3657Asp]TKRVDPLHQL

ClinVar aggregate classification (germline): Uncertain significance. Review status: criteria provided, multiple submitters, no conflicts (2 of 4 stars). 5 submissions from 5 submitters: Uncertain significance (5). Last evaluated 2025-05-19.

Conditions:
Cardiovascular phenotype. Identifiers: MedGen CN230736.
Ventricular arrhythmias due to cardiac ryanodine receptor calcium release deficiency syndrome. Also called: Autosomal dominant cardiac arrhythmia (Kuhn). Identifiers: MedGen C5542154, MONDO:0020745, OMIM 115000.
Arrhythmogenic right ventricular dysplasia 2. Identifiers: MedGen C1832931.
Catecholaminergic polymorphic ventricular tachycardia 1. Also called: VENTRICULAR TACHYCARDIA, CATECHOLAMINERGIC POLYMORPHIC, 1, WITH OR WITHOUT ATRIAL DYSFUNCTION AND/OR DILATED CARDIOMYOPATHY; RYR2-Related Catecholaminergic Polymorphic Ventricular Tachycardia; VENTRICULAR TACHYCARDIA, STRESS-INDUCED POLYMORPHIC 1. Identifiers: Orphanet 3286, MedGen C1631597, MONDO:0011484, OMIM 604772.
Catecholaminergic polymorphic ventricular tachycardia (CVPT). Also called: Catecholamine-induced polymorphic ventricular tachycardia. Identifiers: Orphanet 3286, MedGen C5574922, MONDO:0017990.

Allele frequency attached by ClinVar (database versions not stated): gnomAD exomes below 0.00001; TOPMed below 0.00001; gnomAD 0.00001.
gnomAD v4.1: 3 of 1,609,622 alleles (0.00019%); highest among the groups gnomAD compares: African/African-American, 0.0013%; no homozygotes.

Submissions (5):

Labcorp Genetics (formerly Invitae), Labcorp
Classification: Uncertain significance for Catecholaminergic polymorphic ventricular tachycardia 1. Last evaluated: 2025-05-19. Review status: criteria provided, single submitter. Criteria: Invitae Variant Classification Sherloc (09022015). Collection method: clinical testing. Allele origin: germline.
Comment: This sequence change replaces glycine, which is neutral and non-polar, with aspartic acid, which is acidic and polar, at codon 3657 of the RYR2 protein (p.Gly3657Asp). This variant is not present in population databases (gnomAD no frequency). This variant has not been reported in the literature in individuals affected with RYR2-related conditions. ClinVar contains an entry for this variant (Variation ID: 234433). Invitae Evidence Modeling of protein sequence and biophysical properties (such as structural, functional, and spatial information, amino acid conservation, physicochemical variation, residue mobility, and thermodynamic stability) indicates that this missense variant is not expected to disrupt RYR2 protein function with a negative predictive value of 95%. In summary, the available evidence is currently insufficient to determine the role of this variant in disease. Therefore, it has been classified as a Variant of Uncertain Significance.

All of Us Research Program, National Institutes of Health
Classification: Uncertain significance for Catecholaminergic polymorphic ventricular tachycardia. Last evaluated: 2024-08-06. Review status: criteria provided, single submitter. Criteria: ACMG Guidelines, 2015. Collection method: clinical testing. Allele origin: germline. Inheritance: Autosomal dominant inheritance. Observed: 2 variant alleles, 2 heterozygotes.
Comment: This study involves interpretation of variants in research participants for the purpose of population health screening. Participant phenotype was not available at the time of variant classification. Additional details can be found in publication PMID: 35346344, PMCID: PMC8962531

Ambry Genetics
Classification: Uncertain significance for Cardiovascular phenotype. Last evaluated: 2021-11-29. Review status: criteria provided, single submitter. Criteria: Ambry Variant Classification Scheme 2023. Collection method: clinical testing. Allele origin: germline.
Comment: The p.G3657D variant (also known as c.10970G>A), located in coding exon 78 of the RYR2 gene, results from a G to A substitution at nucleotide position 10970. The glycine at codon 3657 is replaced by aspartic acid, an amino acid with similar properties. This amino acid position is poorly conserved in available vertebrate species. In addition, the in silico prediction for this alteration is inconclusive. Since supporting evidence is limited at this time, the clinical significance of this alteration remains unclear.

Fulgent Genetics
Classification: Uncertain significance for Ventricular arrhythmias due to cardiac ryanodine receptor calcium release deficiency syndrome; Catecholaminergic polymorphic ventricular tachycardia 1. Last evaluated: 2021-09-01. Review status: criteria provided, single submitter. Criteria: ACMG Guidelines, 2015. Collection method: clinical testing. Allele origin: unknown.

GeneDx
Classification: Uncertain significance. Last evaluated: 2016-01-05. Review status: criteria provided, single submitter. Criteria: GeneDx Variant Classification (06012015). Collection method: clinical testing. Allele origin: germline. Affected: yes.
Comment: The G3657D variant has not been published as a pathogenic variant, nor has it been reported as a benign variant to our knowledge. The G3657D variant was not observed in approximately 5,900 individuals of European and African American ancestry in the NHLBI Exome Sequencing Project, indicating it is not a common benign variant in these populations. The G3657D variant is a non-conservative amino acid substitution, which is likely to impact secondary protein structure as these residues differ in polarity, charge, size and/or other properties. However, this substitution occurs at a position that is not conserved across species. In silico analysis predicts this variant likely does not alter the protein structure/function. Additionally, no missense variants in nearby residues have been reported in the Human Gene Mutation Database in association with arrhythmia (Stenson et al., 2014), indicating that this region of the gene is not known to harbor disease-causing variants. Finally, the G3657D variant is not located in one of the three hot-spot regions of the RYR2 gene, where the majority of pathogenic missense variants occur (Medeiros-Domingo et al., 2009).